The following is an entry in ClinVar:

ClinVar aggregate classification (germline): Uncertain significance (1 of 4 stars; one submission).

Submission:

GeneDx
Classification: Uncertain significance. Last evaluated: 2026-03-27. Review status: criteria provided, single submitter. Criteria: GeneDx Variant Classification Process June 2021. Collection method: clinical testing. Allele origin: germline.
Comment: Not observed at significant frequency in large population cohorts (gnomAD); In silico analysis suggests that this missense variant does not alter protein structure/function; Has not been previously published as pathogenic or benign to our knowledge

NM_002471.4(MYH6):c.1043C>T (p.Ala348Val)

Gene: MYH6 (myosin heavy chain 6; minus strand). Cytogenetic location: 14q11.2.
Variant type: single nucleotide variant.
Coding change: c.1043C>T on transcript NM_002471.4 (MANE Select); coding-DNA position 1043, C replaced by T.
Protein change: p.Ala348Val; replaces alanine 348 with valine.
Molecular consequence: missense variant.
Genome position (GRCh38, 1-based): chr14:23,402,562, G>A on the plus strand (C>T on the coding strand, the complement: MYH6 is on the minus strand). VCF-style: chr14-23402562-G-A. GRCh37 (hg19) VCF-style: chr14-23871771-G-A.
Other names: short protein forms A348V.
Identifiers: ClinVar variation 5017479 (VCV005017479.1).
Genomic context (GRCh38, chr14:23,402,562, plus strand): 5'-TTCTGCTTGAACTTCATGTTCCCGTAGTGCATGATGGCTCCCGTCAGCTTGTAGACGCCA[G>A]CTTTCTCCTCTGAAGTGAAGCCCAGCACGTCAAAGGCACTCTGGGACAGAGCGAGAGACA-3'
Protein context (NP_002462.2, residues 338-358): DVLGFTSEEK[Ala348Val]GVYKLTGAIM